The following is an entry in ClinVar:

GRCh38/hg38 2q24.3(chr2:166286955-167102242)x1

Genes: SCN1A-AS1 (SCN1A and SCN9A antisense RNA 1; plus strand), SCN7A (sodium voltage-gated channel alpha subunit 7; minus strand), SCN9A (sodium voltage-gated channel alpha subunit 9; minus strand), XIRP2 (xin actin binding repeat containing 2; plus strand). Cytogenetic location: 2q24.3.
Variant type: copy number loss.
Change: copy number 1 (one copy instead of two) of chr2:166,286,955-167,102,242 (815.3 kb, GRCh38 coordinates, 1-based), cytogenetic band 2q24.3.
Identifiers: ClinVar variation 57142 (VCV000057142.1).

ClinVar aggregate classification (germline): Uncertain significance (1 of 4 stars; one submission).

Submission:

ISCA site 4
Classification: Uncertain significance. Last evaluated: 2011-08-12. Review status: criteria provided, single submitter. Criteria: Kaminsky et al. (Genet Med. 2011). Collection method: clinical testing. Allele origin: unknown. Affected: yes. Observed: 1 variant allele.
Comment: Copy number variation identified through the course of routine clinical cytogenomic testing in postnatal populations. Clinical assertions have been curated as described in Kaminsky et al. 2011.